The following is an entry in ClinVar:

NM_015178.3(RHOBTB2):c.729C>T (p.Ile243=)

Gene: RHOBTB2 (Rho related BTB domain containing 2; plus strand). Cytogenetic location: 8p21.3.
Variant type: single nucleotide variant.
Coding change: c.729C>T on transcript NM_015178.3 (MANE Select); coding-DNA position 729, C replaced by T.
Protein change: p.Ile243=; no amino-acid change (isoleucine 243 retained).
Molecular consequence: synonymous variant.
Genome position (GRCh38, 1-based): chr8:23,006,974, C>T. VCF-style: chr8-23006974-C-T. GRCh37 (hg19) VCF-style: chr8-22864487-C-T.
Other names: c.795C>T, p.Ile265= (NM_001160036.2); c.750C>T, p.Ile250= (NM_001160037.2); c.729C>T, p.Ile243= (NM_001374791.1).
Identifiers: ClinVar variation 1645048 (VCV001645048.11), dbSNP rs148491127, ClinGen allele CA4672523.

ClinVar aggregate classification (germline): Benign/Likely benign. Review status: criteria provided, multiple submitters, no conflicts (2 of 4 stars). 3 submissions from 3 submitters: Benign (1); Likely benign (2). Last evaluated 2026-05-01.

Allele frequency attached by ClinVar (database versions not stated): gnomAD exomes 0.00002 and 0.00010; ExAC 0.00008; TOPMed 0.00013; ESP Exome Variant Server 0.00015; gnomAD 0.00015 and 0.00017.
gnomAD v4.1: 63 of 1,610,886 alleles (0.0039%); highest among the groups gnomAD compares: African/African-American, 0.037%; no homozygotes.

Submissions (3):

CeGaT Center for Human Genetics Tuebingen
Classification: Likely benign. Last evaluated: 2026-05-01. Review status: criteria provided, single submitter. Criteria: CeGaT Center For Human Genetics Tuebingen Variant Classification Criteria Version 2. Collection method: clinical testing. Allele origin: germline. Affected: yes. Observed: 1 variant allele.
Comment: RHOBTB2: BP4, BP7

Labcorp Genetics (formerly Invitae), Labcorp
Classification: Benign. Last evaluated: 2025-12-16. Review status: criteria provided, single submitter. Criteria: Invitae Variant Classification Sherloc (09022015). Collection method: clinical testing. Allele origin: germline.

Blueprint Genetics
Classification: Likely benign. Last evaluated: 2023-01-24. Review status: criteria provided, single submitter. Criteria: ACMG Guidelines, 2015. Collection method: clinical testing. Allele origin: germline.